The following is an entry in ClinVar:

ClinVar aggregate classification (germline): Likely benign (1 of 4 stars; one submission).

Allele frequency attached by ClinVar (database versions not stated): TOPMed 0.00001.

Submission:

Laboratory for Molecular Medicine, Mass General Brigham Personalized Medicine
Classification: Likely benign. Last evaluated: 2012-05-24. Review status: criteria provided, single submitter. Criteria: LMM Criteria. Collection method: clinical testing. Allele origin: germline. Observed: 1 variant allele.
Comment: Gly2666Gly in exon 24 of DSP: This variant is not expected to have clinical sign ificance because it does not alter an amino acid residue and is not located with in the splice consensus sequence. Gly2666Gly in exon 24 of DSP (allele frequenc y = n/a)

NM_004415.4(DSP):c.7998C>G (p.Gly2666=)

Gene: DSP (desmoplakin; plus strand). Cytogenetic location: 6p24.3.
Variant type: single nucleotide variant.
Coding change: c.7998C>G on transcript NM_004415.4 (MANE Select); coding-DNA position 7998, C replaced by G.
Protein change: p.Gly2666=; no amino-acid change (glycine 2666 retained).
Molecular consequence: synonymous variant.
Genome position (GRCh38, 1-based): chr6:7,585,260, C>G. VCF-style: chr6-7585260-C-G. GRCh37 (hg19) VCF-style: chr6-7585493-C-G.
Other names: c.6201C>G, p.Gly2067= (NM_001008844.3); c.6669C>G, p.Gly2223= (NM_001319034.2).
Identifiers: ClinVar variation 44958 (VCV000044958.4), dbSNP rs397516960, ClinGen allele CA007351.